The following is an entry in ClinVar:

ClinVar aggregate classification (germline): Uncertain significance (1 of 4 stars; one submission).

Conditions:
Congenital myasthenic syndrome 8. Also called: MYASTHENIC SYNDROME, CONGENITAL, DUE TO AGRIN DEFICIENCY; Myasthenic syndrome, congenital, 8, with pre- and postsynaptic defects. Identifiers: Orphanet 590, MedGen C3808739, MONDO:0014052, OMIM 615120.

Allele frequency attached by ClinVar (database versions not stated): gnomAD exomes 0.00004; gnomAD 0.00001; TOPMed 0.00002.
gnomAD v4.1: 61 of 1,580,632 alleles (0.0039%); highest among the groups gnomAD compares: Non-Finnish European, 0.0046%; no homozygotes.

Submission:

Labcorp Genetics (formerly Invitae), Labcorp
Classification: Uncertain significance for Congenital myasthenic syndrome 8. Last evaluated: 2025-12-18. Review status: criteria provided, single submitter. Criteria: Invitae Variant Classification Sherloc (09022015). Collection method: clinical testing. Allele origin: germline.
Comment: This sequence change replaces glycine, which is neutral and non-polar, with serine, which is neutral and polar, at codon 1413 of the AGRN protein (p.Gly1413Ser). This variant is present in population databases (rs774410209, gnomAD 0.006%). This variant has not been reported in the literature in individuals affected with AGRN-related conditions. ClinVar contains an entry for this variant (Variation ID: 2030304). An algorithm developed to predict the effect of missense changes on protein structure and function (PolyPhen-2) suggests that this variant is likely to be disruptive. In summary, the available evidence is currently insufficient to determine the role of this variant in disease. Therefore, it has been classified as a Variant of Uncertain Significance.

NM_198576.4(AGRN):c.4237G>A (p.Gly1413Ser)

Gene: AGRN (agrin; plus strand). Cytogenetic location: 1p36.33.
Variant type: single nucleotide variant.
Coding change: c.4237G>A on transcript NM_198576.4 (MANE Select); coding-DNA position 4237, G replaced by A.
Protein change: p.Gly1413Ser; replaces glycine 1413 with serine.
Molecular consequence: missense variant.
Genome position (GRCh38, 1-based): chr1:1,048,998, G>A. VCF-style: chr1-1048998-G-A. GRCh37 (hg19) VCF-style: chr1-984378-G-A.
Other names: c.4237G>A, p.Gly1413Ser (NM_001305275.2); c.3922G>A, p.Gly1308Ser (NM_001364727.2); short protein forms G1413S, G1308S.
Identifiers: ClinVar variation 2030304 (VCV002030304.2), dbSNP rs774410209, ClinGen allele CA509363.